The following is an entry in ClinVar:

ClinVar aggregate classification (germline): Uncertain significance (1 of 4 stars; one submission).

Conditions:
Immunodeficiency 36 with lymphoproliferation. Also called: Immunodeficiency 36; ACTIVATED PI3K-DELTA SYNDROME 2; Activated PI3K Delta Syndrome Type 2 (APDS2). Identifiers: Orphanet 397596, Orphanet 693681, MedGen C4014934, MONDO:0014453, OMIM 616005.

gnomAD v4.1: 1 of 1,610,260 alleles (0.000062%); highest among the groups gnomAD compares: Non-Finnish European, 0.000085%; no homozygotes.

Submission:

Neuberg Centre For Genomic Medicine, NCGM
Classification: Uncertain significance for Immunodeficiency 36 with lymphoproliferation. Last evaluated: 2023-06-22. Review status: criteria provided, single submitter. Criteria: ACMG Guidelines, 2015. Collection method: clinical testing. Allele origin: germline. Inheritance: Autosomal dominant inheritance. Affected: yes.
Comment: he observed missense c.665T>C(p.Leu222Pro) variant in PIK3R1 gene has not been reported previously as a pathogenic variant nor as a benign variant, to our knowledge. This variant is absent in gnomAD Exomes. The amino acid Leu at position 222 is changed to a Pro changing protein sequence and it might alter its composition and physico-chemical properties. The amino acid change p.Leu222Pro in PIK3R1 is predicted as conserved by GERP++ and PhyloP across 100 vertebrates. Computational evidence (Polyphen - Possibly Damaging, SIFT - Tolerated, and MutationTaster - Disease causing) predicts conflicting evidence on protein structure and function for this variant. For these reasons, this variant has been classified as Uncertain Significance.

NM_181523.3(PIK3R1):c.665T>C (p.Leu222Pro)

Gene: PIK3R1 (phosphoinositide-3-kinase regulatory subunit 1; plus strand). Cytogenetic location: 5q13.1.
Variant type: single nucleotide variant.
Coding change: c.665T>C on transcript NM_181523.3 (MANE Select); coding-DNA position 665, T replaced by C.
Protein change: p.Leu222Pro; replaces leucine 222 with proline.
Molecular consequence: missense variant.
Genome position (GRCh38, 1-based): chr5:68,280,558, T>C. VCF-style: chr5-68280558-T-C. GRCh37 (hg19) VCF-style: chr5-67576386-T-C.
Other names: short protein forms L222P.
Identifiers: ClinVar variation 3731362 (VCV003731362.1).